The following is an entry in ClinVar:

NM_016030.6(TRAPPC12):c.195_196del (p.Met66fs)

Gene: TRAPPC12 (trafficking protein particle complex subunit 12; plus strand). Cytogenetic location: 2p25.3.
Variant type: Microsatellite.
Coding change: c.195_196del on transcript NM_016030.6 (MANE Select); coding-DNA positions 195 to 196, 2 bases deleted (CA; older notation c.195_196delCA).
Protein change: p.Met66fs; shifts the reading frame from methionine 66.
Molecular consequence: frameshift variant.
Genome position (GRCh38, 1-based): chr2:3,387,818-3,387,819, CA deleted; deleting any 2 consecutive bases within chr2:3,387,815-3,387,819 gives the same sequence; the c. name uses the placement nearest the transcript's 3' end. VCF-style (leftmost placement, unchanged base first): chr2-3387814-AAC-A. GRCh37 (hg19) VCF-style: chr2-3391585-AAC-A.
Other names: c.195_196del, p.Met66fs (NM_001321102.2); short protein forms M66fs.
Identifiers: ClinVar variation 2585068 (VCV002585068.1), dbSNP rs1200912683, ClinGen allele CA530847389.
Genomic context (GRCh38, chr2:3,387,814, plus strand): 5'-GATCCGAAGAGAACGAGACCGCATCGGAAGGCTCGAGTCCTCTCGCGGACAAGCTGAACG[AAC>A]ACATGATGGAGAGCGTCCTCATCTCTGACTCCCCCAACAGCGAGGGCGACGCGGGCGACC-3'

ClinVar aggregate classification (germline): Likely pathogenic (1 of 4 stars; one submission).

Conditions:
Early-onset progressive encephalopathy-hearing loss-pons hypoplasia-brain atrophy syndrome. Also called: ENCEPHALOPATHY, PROGRESSIVE, EARLY-ONSET, WITH BRAIN ATROPHY AND SPASTICITY. Identifiers: Orphanet 500144, MedGen C5567229, MONDO:0044696, OMIM 617669.

Submission:

Neuberg Centre For Genomic Medicine, NCGM
Classification: Likely pathogenic for Early-onset progressive encephalopathy-hearing loss-pons hypoplasia-brain atrophy syndrome. Review status: criteria provided, single submitter. Criteria: ACMG Guidelines, 2015. Collection method: clinical testing. Allele origin: germline. Inheritance: Autosomal recessive inheritance. Affected: yes.
Comment: The frameshift deletion c.195_196del (p.Met66AspfsTer8) in TRAPPC12 gene has not been reported previously as a pathogenic variant nor as a benign variant, to our knowledge. The p.Met66AspfsTer8 variant has allele frequency 0.0004% in gnomAD exomes and is novel (not in any individuals) in 1000 Genomes. This variant is predicted to cause loss of normal protein function through protein truncation caused a frameshift mutation. Loss of function variants have been previously reported to be disease causing. For these reasons, this variant has been classified as Likely Pathogenic